The following is an entry in ClinVar:

NM_000057.4(BLM):c.980C>T (p.Thr327Ile)

Gene: BLM (BLM RecQ like helicase; plus strand). Cytogenetic location: 15q26.1.
Variant type: single nucleotide variant.
Coding change: c.980C>T on transcript NM_000057.4 (MANE Select); coding-DNA position 980, C replaced by T.
Protein change: p.Thr327Ile; replaces threonine 327 with isoleucine.
Molecular consequence: missense variant. On other transcripts: 5 prime UTR variant (1).
Genome position (GRCh38, 1-based): chr15:90,754,831, C>T. VCF-style: chr15-90754831-C-T. GRCh37 (hg19) VCF-style: chr15-91298061-C-T.
Other names: c.980C>T, p.Thr327Ile (NM_001287246.2, NM_001287247.2); c.-312C>T (NM_001287248.2); short protein forms T327I.
Identifiers: ClinVar variation 1768281 (VCV001768281.5), dbSNP rs748581308, ClinGen allele CA393842024.

ClinVar aggregate classification (germline): Conflicting classifications of pathogenicity. Review status: criteria provided, conflicting classifications (1 of 4 stars). 2 submissions from 2 submitters: Uncertain significance (1); Likely benign (1). Last evaluated 2025-08-09.

Conditions:
Hereditary cancer-predisposing syndrome. Also called: Hereditary Cancer Syndrome; Hereditary neoplastic syndrome; Neoplastic Syndromes, Hereditary; Tumor predisposition. Identifiers: Orphanet 140162, MedGen C0027672, MeSH D009386, MONDO:0015356.
Bloom syndrome (BLM). Also called: Bloom-Torre-Machacek syndrome. Identifiers: Orphanet 125, MedGen C0005859, MONDO:0008876, OMIM 210900.

gnomAD v4.1: 1 of 1,613,808 alleles (0.000062%); highest among the groups gnomAD compares: Non-Finnish European, 0.000085%; no homozygotes.

Submissions (2):

Labcorp Genetics (formerly Invitae), Labcorp
Classification: Uncertain significance for Bloom syndrome. Last evaluated: 2025-08-09. Review status: criteria provided, single submitter. Criteria: Invitae Variant Classification Sherloc (09022015). Collection method: clinical testing. Allele origin: germline.
Comment: This sequence change replaces threonine, which is neutral and polar, with isoleucine, which is neutral and non-polar, at codon 327 of the BLM protein (p.Thr327Ile). This variant is not present in population databases (gnomAD no frequency). This variant has not been reported in the literature in individuals affected with BLM-related conditions. ClinVar contains an entry for this variant (Variation ID: 1768281). Invitae Evidence Modeling of protein sequence and biophysical properties (such as structural, functional, and spatial information, amino acid conservation, physicochemical variation, residue mobility, and thermodynamic stability) indicates that this missense variant is not expected to disrupt BLM protein function with a negative predictive value of 80%. In summary, the available evidence is currently insufficient to determine the role of this variant in disease. Therefore, it has been classified as a Variant of Uncertain Significance.

Ambry Genetics
Classification: Likely benign for Hereditary cancer-predisposing syndrome. Last evaluated: 2024-03-14. Review status: criteria provided, single submitter. Criteria: Ambry Variant Classification Scheme 2023. Collection method: clinical testing. Allele origin: germline.